The following is an entry in ClinVar:

ClinVar aggregate classification (germline): Likely benign (1 of 4 stars; one submission).

Allele frequency attached by ClinVar (database versions not stated): TOPMed 0.00001; gnomAD exomes 0.00003.
gnomAD v4.1: 44 of 1,612,198 alleles (0.0027%); highest among the groups gnomAD compares: Non-Finnish European, 0.0037%; no homozygotes.

Submission:

CeGaT Center for Human Genetics Tuebingen
Classification: Likely benign. Last evaluated: 2024-02-01. Review status: criteria provided, single submitter. Criteria: CeGaT Center For Human Genetics Tuebingen Variant Classification Criteria Version 2. Collection method: clinical testing. Allele origin: germline. Affected: yes. Observed: 1 variant allele.
Comment: NCKAP1: BP4, BP7

NM_013436.5(NCKAP1):c.2865A>G (p.Ala955=)

Gene: NCKAP1 (NCK associated protein 1; minus strand). Cytogenetic location: 2q32.1.
Variant type: single nucleotide variant.
Coding change: c.2865A>G on transcript NM_013436.5 (MANE Select); coding-DNA position 2865, A replaced by G.
Protein change: p.Ala955=; no amino-acid change (alanine 955 retained).
Molecular consequence: synonymous variant.
Genome position (GRCh38, 1-based): chr2:182,930,783, T>C on the plus strand (A>G on the coding strand, the complement: NCKAP1 is on the minus strand). VCF-style: chr2-182930783-T-C. GRCh37 (hg19) VCF-style: chr2-183795511-T-C.
Other names: c.2883A>G, p.Ala961= (NM_205842.3).
Identifiers: ClinVar variation 3026098 (VCV003026098.22), dbSNP rs1342338398, ClinGen allele CA430424635.